The following is an entry in ClinVar:

NM_001371623.1(TCOF1):c.2539G>T (p.Val847Leu)

Gene: TCOF1 (treacle ribosome biogenesis factor 1; plus strand). Cytogenetic location: 5q32.
Variant type: single nucleotide variant.
Coding change: c.2539G>T on transcript NM_001371623.1 (MANE Select); coding-DNA position 2539, G replaced by T.
Protein change: p.Val847Leu; replaces valine 847 with leucine.
Molecular consequence: missense variant.
Genome position (GRCh38, 1-based): chr5:150,379,289, G>T. VCF-style: chr5-150379289-G-T. GRCh37 (hg19) VCF-style: chr5-149758852-G-T.
Other names: c.2308G>T, p.Val770Leu (NM_000356.4, NM_001135245.2); c.2539G>T, p.Val847Leu (NM_001008657.3, NM_001135243.2, NM_001135244.2 and 1 more transcripts); c.2539G>T (NM_001135243.1); short protein forms V770L, V847L.
Identifiers: ClinVar variation 1979690 (VCV001979690.5), dbSNP rs764809225, ClinGen allele CA3511196.
Genomic context (GRCh38, chr5:150,379,289, plus strand): 5'-GTGAAGCCACCAGTGAGAAACCCCCAGAACAGTACCGTCTTGGCGAGGGGCCCAGCATCT[G>T]TGCCATCTGTGGGGAAGGCCGTGGCTACAGCAGCTCAGGCCCAGACAGGGCCAGAGGAGG-3'
Protein context (NP_001358552.1, residues 837-857): STVLARGPAS[Val847Leu]PSVGKAVATA

ClinVar aggregate classification (germline): Uncertain significance. Review status: criteria provided, multiple submitters, no conflicts (2 of 4 stars). 2 submissions from 2 submitters: Uncertain significance (2). Last evaluated 2025-08-13.

Conditions:
TCOF1-related disorder. Also called: TCOF1-related condition.
Treacher Collins syndrome 1 (TCS1). Also called: TCOF1-Related Treacher Collins Syndrome. Identifiers: Orphanet 861, MedGen CN315775, MONDO:0007944, OMIM 154500.

Allele frequency attached by ClinVar (database versions not stated): TOPMed below 0.00001; ExAC 0.00001; gnomAD exomes 0.00001.
gnomAD v4.1: 20 of 1,614,240 alleles (0.0012%); highest among the groups gnomAD compares: Admixed American, 0.0083%; no homozygotes.

Submissions (2):

PreventionGenetics, part of Exact Sciences
Classification: Uncertain significance for TCOF1-related condition. Last evaluated: 2025-08-13. Review status: criteria provided, single submitter. Criteria: ACMG Guidelines, 2015. Collection method: clinical testing. Allele origin: germline.
Comment: The TCOF1 c.2539G>T variant is predicted to result in the amino acid substitution p.Val847Leu. To our knowledge, this variant has not been reported in the literature. This variant is reported in 0.014% of alleles in individuals of Latino descent in gnomAD. Although we suspect that this variant may be benign, at this time, the clinical significance of this variant is uncertain due to the absence of conclusive functional and genetic evidence.

Labcorp Genetics (formerly Invitae), Labcorp
Classification: Uncertain significance for Treacher Collins syndrome 1. Last evaluated: 2022-08-30. Review status: criteria provided, single submitter. Criteria: Invitae Variant Classification Sherloc (09022015). Collection method: clinical testing. Allele origin: germline.
Comment: In summary, the available evidence is currently insufficient to determine the role of this variant in disease. Therefore, it has been classified as a Variant of Uncertain Significance. Algorithms developed to predict the effect of missense changes on protein structure and function (SIFT, PolyPhen-2, Align-GVGD) all suggest that this variant is likely to be disruptive. This missense change has been observed in at least one individual who was not affected with TCOF1-related conditions (Invitae). This variant has not been reported in the literature in individuals affected with TCOF1-related conditions. This variant is present in population databases (rs764809225, gnomAD 0.01%). This sequence change replaces valine, which is neutral and non-polar, with leucine, which is neutral and non-polar, at codon 847 of the TCOF1 protein (p.Val847Leu).